The following is an entry in ClinVar:

NM_181507.2(HPS5):c.358G>A (p.Glu120Lys)

Genes: HPS5 (HPS5 biogenesis of lysosomal organelles complex 2 subunit 2; minus strand), LOC130005404 (ATAC-STARR-seq lymphoblastoid active region 4495; plus strand). Cytogenetic location: 11p15.1.
Variant type: single nucleotide variant.
Coding change: c.358G>A on transcript NM_181507.2 (MANE Select); coding-DNA position 358, G replaced by A.
Protein change: p.Glu120Lys; replaces glutamic acid 120 with lysine.
Molecular consequence: missense variant.
Genome position (GRCh38, 1-based): chr11:18,310,860, C>T on the plus strand (G>A on the coding strand, the complement: HPS5 is on the minus strand). VCF-style: chr11-18310860-C-T. GRCh37 (hg19) VCF-style: chr11-18332407-C-T.
Other names: c.16G>A, p.Glu6Lys (NM_007216.4, NM_181508.2); short protein forms E6K, E120K.
Identifiers: ClinVar variation 2105636 (VCV002105636.3), dbSNP rs2494192735, ClinGen allele CA379506162.

ClinVar aggregate classification (germline): Uncertain significance (1 of 4 stars; one submission).

gnomAD v4.1: 1 of 1,611,132 alleles (0.000062%); highest among the groups gnomAD compares: Non-Finnish European, 0.000085%; no homozygotes.

Submission:

Labcorp Genetics (formerly Invitae), Labcorp
Classification: Uncertain significance. Last evaluated: 2022-03-02. Review status: criteria provided, single submitter. Criteria: Invitae Variant Classification Sherloc (09022015). Collection method: clinical testing. Allele origin: germline.
Comment: This variant is not present in population databases (gnomAD no frequency). This variant has not been reported in the literature in individuals affected with HPS5-related conditions. Algorithms developed to predict the effect of missense changes on protein structure and function are either unavailable or do not agree on the potential impact of this missense change (SIFT: "Deleterious"; PolyPhen-2: "Possibly Damaging"; Align-GVGD: "Class C0"). In summary, the available evidence is currently insufficient to determine the role of this variant in disease. Therefore, it has been classified as a Variant of Uncertain Significance. This sequence change replaces glutamic acid, which is acidic and polar, with lysine, which is basic and polar, at codon 120 of the HPS5 protein (p.Glu120Lys).